The following is an entry in ClinVar:

ClinVar aggregate classification (germline): Uncertain significance (1 of 4 stars; one submission).

Submission:

Labcorp Genetics (formerly Invitae), Labcorp
Classification: Uncertain significance. Last evaluated: 2021-04-06. Review status: criteria provided, single submitter. Criteria: Invitae Variant Classification Sherloc (09022015). Collection method: clinical testing. Allele origin: germline.
Comment: In summary, the available evidence is currently insufficient to determine the role of this variant in disease. Therefore, it has been classified as a Variant of Uncertain Significance. Advanced modeling of protein sequence and biophysical properties (such as structural, functional, and spatial information, amino acid conservation, physicochemical variation, residue mobility, and thermodynamic stability) performed at Invitae indicates that this missense variant is not expected to disrupt BEST1 protein function. This variant has not been reported in the literature in individuals with BEST1-related conditions. This variant is not present in population databases (ExAC no frequency). This sequence change replaces histidine with proline at codon 223 of the BEST1 protein (p.His223Pro). The histidine residue is weakly conserved and there is a moderate physicochemical difference between histidine and proline.

NM_004183.4(BEST1):c.668A>C (p.His223Pro)

Gene: BEST1 (bestrophin 1; plus strand). Cytogenetic location: 11q12.3.
Variant type: single nucleotide variant.
Coding change: c.668A>C on transcript NM_004183.4 (MANE Select); coding-DNA position 668, A replaced by C.
Protein change: p.His223Pro; replaces histidine 223 with proline.
Molecular consequence: missense variant. On other transcripts: non-coding transcript variant (1).
Genome position (GRCh38, 1-based): chr11:61,957,418, A>C. VCF-style: chr11-61957418-A-C. GRCh37 (hg19) VCF-style: chr11-61724890-A-C.
Other names: c.488A>C, p.His163Pro (NM_001139443.3, NM_001300786.2, NM_001300787.2); c.350A>C, p.His117Pro (NM_001363591.3); c.668A>C, p.His223Pro (NM_001363592.2); c.-508A>C (NM_001363593.3); short protein forms H117P, H163P, H223P.
Identifiers: ClinVar variation 1408790 (VCV001408790.8), dbSNP rs2134440248, ClinGen allele CA380838590.